The following is an entry in ClinVar:

NM_005026.5(PIK3CD):c.1121G>A (p.Arg374Gln)

Genes: PIK3CD (phosphatidylinositol-4,5-bisphosphate 3-kinase catalytic subunit delta; plus strand), LOC126805612 (MED14-independent group 3 enhancer GRCh37_chr1:9778914-9780113; plus strand). Cytogenetic location: 1p36.22.
Variant type: single nucleotide variant.
Coding change: c.1121G>A on transcript NM_005026.5 (MANE Select); coding-DNA position 1121, G replaced by A.
Protein change: p.Arg374Gln; replaces arginine 374 with glutamine.
Molecular consequence: missense variant.
Genome position (GRCh38, 1-based): chr1:9,718,794, G>A. VCF-style: chr1-9718794-G-A. GRCh37 (hg19) VCF-style: chr1-9778852-G-A.
Other names: c.1121G>A, p.Arg374Gln (NM_001350234.2); c.1034G>A, p.Arg345Gln (NM_001350235.1); c.1121G>A (NM_005026.3); short protein forms R374Q, R345Q.
Identifiers: ClinVar variation 1399114 (VCV001399114.11), dbSNP rs370509251, ClinGen allele CA577097.

ClinVar aggregate classification (germline): Uncertain significance. Review status: criteria provided, multiple submitters, no conflicts (2 of 4 stars). 3 submissions from 3 submitters: Uncertain significance (2). 1 of the submissions does not count toward it. Last evaluated 2025-08-25.

Conditions:
Activated PI3K-delta syndrome. Identifiers: Orphanet 397596, MedGen C3714976, MONDO:0018338.
Immunodeficiency 14 (IMD14A). Also called: ACTIVATED PI3K-DELTA SYNDROME 1; Activated PI3K Delta Syndrome Type 1 (APDS1); p110-DELTA-ACTIVATING MUTATION CAUSING SENESCENT T CELLS, LYMPHADENOPATHY, AND IMMUNODEFICIENCY; IMMUNODEFICIENCY 14A WITH LYMPHOPROLIFERATION, AUTOSOMAL DOMINANT. Identifiers: Orphanet 397596, Orphanet 693661, MedGen C5907821, MONDO:0014222, OMIM 615513.
PIK3CD-related disorder. Also called: PIK3CD-related condition.

Allele frequency attached by ClinVar (database versions not stated): 1000 Genomes Project 0.00020; gnomAD exomes 0.00002 and 0.00004; ExAC 0.00003; ESP Exome Variant Server 0.00008; gnomAD 0.00015 and 0.00016; 1000 Genomes Project 30x 0.00016; TOPMed 0.00019.

Submissions (3):

Labcorp Genetics (formerly Invitae), Labcorp
Classification: Uncertain significance for Activated PI3K-delta syndrome. Last evaluated: 2025-08-25. Review status: criteria provided, single submitter. Criteria: Invitae Variant Classification Sherloc (09022015). Collection method: clinical testing. Allele origin: germline.
Comment: This sequence change replaces arginine, which is basic and polar, with glutamine, which is neutral and polar, at codon 374 of the PIK3CD protein (p.Arg374Gln). This variant is present in population databases (rs370509251, gnomAD 0.05%). This variant has not been reported in the literature in individuals affected with PIK3CD-related conditions. ClinVar contains an entry for this variant (Variation ID: 1399114). Invitae Evidence Modeling of protein sequence and biophysical properties (such as structural, functional, and spatial information, amino acid conservation, physicochemical variation, residue mobility, and thermodynamic stability) indicates that this missense variant is not expected to disrupt PIK3CD protein function with a negative predictive value of 80%. In summary, the available evidence is currently insufficient to determine the role of this variant in disease. Therefore, it has been classified as a Variant of Uncertain Significance.

PreventionGenetics, part of Exact Sciences
Classification: Uncertain significance for PIK3CD-related condition. Last evaluated: 2023-01-26. Review status: criteria provided, single submitter. Criteria: ACMG Guidelines, 2015. Collection method: clinical testing. Allele origin: germline.
Comment: The PIK3CD c.1121G>A variant is predicted to result in the amino acid substitution p.Arg374Gln. To our knowledge, this variant has not been reported in the literature. This variant is reported in 0.056% of alleles in individuals of African descent in gnomAD, which may be too common to be causative of autosomal dominant disorders. However, at this time, the clinical significance of this variant is uncertain due to the absence of conclusive functional and genetic evidence.

Rarefied Biosciences Lab
Classification: Likely benign for Activated PI3K-delta syndrome. Review status: no assertion criteria provided. Collection method: research. Allele origin: germline, not applicable. Affected: yes. Functional consequence: gain_of_function_variant. Not counted in ClinVar's aggregate classification.
Comment: PIK3CD c.1121G>A (p.Arg374Gln) variant results in a missense substitution of arginine to glutamine at codon 374. This residue has moderate conservation (phyloP100 score: 1.903) and lies outside of known critical functional domains of the PIK3CD protein. The variant is rare, with a gnomAD exome allele frequency of 0.0000158, consistent with a benign variant in the context of a rare disorder. Immune profiling showed T follicular helper (TFH) cells at 12.3%, which falls within control levels, and transitional B cells at 21.5%, which is slightly elevated but non-specific and not diagnostic of PIK3CD-associated immune dysregulation. Additionally, there was no evidence of aberrant mTOR signaling activity, indicating normal PI3K pathway function. Computational predictions support a benign classification: AlphaMissense score is 0.06369 (Benign Strong), and REVEL score is 0.132 (Benign Moderate), both below commonly used pathogenicity thresholds. Given the immune findings, lack of mTOR activation, benign computational predictions, and rare population frequency, the PIK3CD c.1121G>A (p.Arg374Gln) variant is classified as Likely Benign

Literature cited by the submitters: PubMed 31031754 (cited by Rarefied Biosciences Lab).